The following is an entry in ClinVar:

ClinVar aggregate classification (germline): Uncertain significance (1 of 4 stars; one submission).

Conditions:
Hereditary cancer-predisposing syndrome. Also called: Tumor predisposition; Hereditary neoplastic syndrome; Hereditary Cancer Syndrome; Neoplastic Syndromes, Hereditary. Identifiers: Orphanet 140162, MedGen C0027672, MeSH D009386, MONDO:0015356.

Submission:

Ambry Genetics
Classification: Uncertain significance for Hereditary cancer-predisposing syndrome. Last evaluated: 2024-01-06. Review status: criteria provided, single submitter. Criteria: Ambry Variant Classification Scheme 2023. Collection method: clinical testing. Allele origin: germline.
Comment: The p.D388E variant (also known as c.1164T>G), located in coding exon 5 of the BLM gene, results from a T to G substitution at nucleotide position 1164. The aspartic acid at codon 388 is replaced by glutamic acid, an amino acid with highly similar properties. This amino acid position is conserved. In addition, this alteration is predicted to be tolerated by in silico analysis. Since supporting evidence is limited at this time, the clinical significance of this alteration remains unclear.

NM_000057.4(BLM):c.1164T>G (p.Asp388Glu)

Gene: BLM (BLM RecQ like helicase; plus strand). Cytogenetic location: 15q26.1.
Variant type: single nucleotide variant.
Coding change: c.1164T>G on transcript NM_000057.4 (MANE Select); coding-DNA position 1164, T replaced by G.
Protein change: p.Asp388Glu; replaces aspartic acid 388 with glutamic acid.
Molecular consequence: missense variant.
Genome position (GRCh38, 1-based): chr15:90,760,223, T>G. VCF-style: chr15-90760223-T-G. GRCh37 (hg19) VCF-style: chr15-91303453-T-G.
Other names: c.1164T>G, p.Asp388Glu (NM_001287246.2, NM_001287247.2); c.39T>G, p.Asp13Glu (NM_001287248.2); short protein forms D13E, D388E.
Identifiers: ClinVar variation 3223811 (VCV003223811.1), dbSNP rs2151157391, ClinGen allele CA393842452.